The following is an entry in ClinVar:

NM_000552.5(VWF):c.3467C>T (p.Thr1156Met)

Gene: VWF (von Willebrand factor; minus strand). Cytogenetic location: 12p13.31.
Variant type: single nucleotide variant.
Coding change: c.3467C>T on transcript NM_000552.5 (MANE Select); coding-DNA position 3467, C replaced by T.
Protein change: p.Thr1156Met; replaces threonine 1156 with methionine.
Molecular consequence: missense variant.
Genome position (GRCh38, 1-based): chr12:6,022,811, G>A on the plus strand (C>T on the coding strand, the complement: VWF is on the minus strand). VCF-style: chr12-6022811-G-A. GRCh37 (hg19) VCF-style: chr12-6131977-G-A.
Other names: p.T1156M; c.3467C>T (NM_000552.4); short protein forms T1156M.
Identifiers: ClinVar variation 100264 (VCV000100264.9), dbSNP rs267607328, ClinGen allele CA228414.

ClinVar aggregate classification (germline): Pathogenic/Likely pathogenic. Review status: criteria provided, multiple submitters, no conflicts (2 of 4 stars). 6 submissions from 6 submitters: Pathogenic (3); Likely pathogenic (1). 2 of the submissions do not count toward it. Last evaluated 2024-04-09.

Conditions:
von Willebrand disorder (VWD). Also called: von Willebrand's disease; Von Willebrand disease (hereditary or acquired); von Willebrand Diseases. Identifiers: MedGen C0042974, MeSH D014842, MONDO:0024574.
Hereditary von Willebrand disease. Identifiers: Orphanet 903, MedGen C5703318, MONDO:0019565. Inheritance: Autosomal recessive or Autosomal dominant.
von Willebrand disease type 3 (VWD3). Also called: Type 3 Von Willebrand's disease; Type 3 VWD; Von Willebrand disease, severe form; V WD3; VON WILLEBRAND DISEASE, TYPE III. Identifiers: Orphanet 166096, MedGen C1264041, MONDO:0010191, OMIM 277480.
von Willebrand disease type 1 (VWD1). Also called: VWD, TYPE 1; VON WILLEBRAND DISEASE, TYPE I. Identifiers: Orphanet 166078, Orphanet 903, MedGen C1264039, MONDO:0008668, OMIM 193400. Inheritance: autosomal recessive or autosomal dominant.

Allele frequency attached by ClinVar (database versions not stated): gnomAD exomes 0.00001.
gnomAD v4.1: 4 of 538,010 alleles (0.00074%); highest among the groups gnomAD compares: Non-Finnish European, 0.00095%; no homozygotes.

Submissions (6):

Women's Health and Genetics/Laboratory Corporation of America, LabCorp
Classification: Pathogenic for von Willebrand disorder. Last evaluated: 2024-04-09. Review status: criteria provided, single submitter. Criteria: LabCorp Variant Classification Summary - May 2015. Collection method: clinical testing. Allele origin: germline.
Comment: Variant summary: VWF c.3467C>T (p.Thr1156Met) results in a non-conservative amino acid change located in the Trypsin Inhibitor-like, cysteine rich domain (IPR002919) of the encoded protein sequence. Five of five in-silico tools predict a damaging effect of the variant on protein function. The variant was absent in 54434 control chromosomes. c.3467C>T has been reported in the literature in multiple individuals from a family affected with Von Willebrand Disease, segregating with disease (example, Casana_2001). These data indicate that the variant is very likely to be associated with disease. At least one publication reports experimental evidence evaluating an impact on protein function. The most pronounced variant effect results in impaired secretion, increased intracellular retention, loss of high molecular weight multimers and decreased FVIII binding, when compared to WT VWF (White-Adams_2016). The following publications have been ascertained in the context of this evaluation (PMID: 11529461, 16102036, 27533707). ClinVar contains an entry for this variant (Variation ID: 100264). Based on the evidence outlined above, the variant was classified as pathogenic.

Quest Diagnostics Nichols Institute San Juan Capistrano
Classification: Pathogenic. Last evaluated: 2023-04-21. Review status: criteria provided, single submitter. Criteria: Quest Diagnostics criteria. Collection method: clinical testing. Allele origin: unknown.
Comment: This variant has not been reported in large, multi-ethnic general populations. In the published literature, the variant has been reported in affected individuals with von Willebrand Disease (vWD) Type 1 (PMIDs: 11529461 (2001) and 12353070 (2002)), as well as in individuals suspected of vWD (PMIDs: 31064749 (2019) and 33556167 (2021)). In-vitro and in-vivo functional studies have demonstrated that this variant results in a deleterious effect on VWF protein function (PMIDs: 12353070 (2002) and 27533707 (2016)). This variant segregated with disease in a Spanish family with 7 affected individuals with vWD Type 1 (PMID: 11529461 (2001)). Based on the available information, this variant is classified as pathogenic.

Laboratory of Hematology, Radboud University Medical Center
Classification: Pathogenic for von Willebrand disease type 1. Last evaluated: 2021-08-19. Review status: criteria provided, single submitter. Criteria: ACMG Guidelines, 2015. Collection method: research. Allele origin: germline. Affected: yes. Observed: 4 variant alleles. Study: WIN study.

NIHR Bioresource Rare Diseases, University of Cambridge
Classification: Likely pathogenic for von Willebrand disorder. Last evaluated: 2019-02-01. Review status: criteria provided, single submitter. Criteria: ACMG Guidelines, 2015. Collection method: research. Allele origin: unknown. Affected: yes. Observed: 1 compound heterozygote. Study: ThromboGenomics.

Angelo Bianchi Bonomi Hemophilia and Thrombosis Center, Fondazione IRCCS Ca Granda Ospedale Maggiore Policlinico
Classification: Likely pathogenic for von Willebrand disease type 3. Last evaluated: 2020-11-01. Review status: no assertion criteria provided. Collection method: clinical testing. Allele origin: germline. Affected: yes. Study: Type 3 Von Willebrand International Registries Inhibitor Prospective Study (3WINTERS-IPS). Not counted in ClinVar's aggregate classification.
Comment: ClinGen Pathogenicity Calculator

Academic Unit of Haematology, University of Sheffield
No classification provided. Review status: no classification provided. Collection method: not provided. Allele origin: not provided. Not counted in ClinVar's aggregate classification.

Literature cited by the submitters: PubMed 27533707 (cited by Women's Health and Genetics/Laboratory Corporation of America, LabCorp and Quest Diagnostics Nichols Institute San Juan Capistrano); PubMed 11529461 (cited by Women's Health and Genetics/Laboratory Corporation of America, LabCorp and Quest Diagnostics Nichols Institute San Juan Capistrano); PubMed 16102036 (cited by Women's Health and Genetics/Laboratory Corporation of America, LabCorp); PubMed 31064749 (cited by Quest Diagnostics Nichols Institute San Juan Capistrano and NIHR Bioresource Rare Diseases, University of Cambridge); PubMed 12353070 (cited by Quest Diagnostics Nichols Institute San Juan Capistrano); PubMed 33556167 (cited by Quest Diagnostics Nichols Institute San Juan Capistrano).